The following is an entry in ClinVar:

ClinVar aggregate classification (germline): Uncertain significance (1 of 4 stars; one submission).

Submission:

Ambry Genetics
Classification: Uncertain significance. Last evaluated: 2024-05-14. Review status: criteria provided, single submitter. Criteria: Ambry Variant Classification Scheme 2023. Collection method: clinical testing. Allele origin: germline.
Comment: The p.Q718H variant (also known as c.2154A>T), located in coding exon 13 of the NPAT gene, results from an A to T substitution at nucleotide position 2154. The glutamine at codon 718 is replaced by histidine, an amino acid with highly similar properties. This amino acid position is conserved. In addition, this alteration is predicted to be tolerated by in silico analysis. Based on the available evidence, the clinical significance of this variant remains unclear.

NM_002519.3(NPAT):c.2154A>T (p.Gln718His)

Gene: NPAT (nuclear protein, coactivator of histone transcription; minus strand). Cytogenetic location: 11q22.3.
Variant type: single nucleotide variant.
Coding change: c.2154A>T on transcript NM_002519.3 (MANE Select); coding-DNA position 2154, A replaced by T.
Protein change: p.Gln718His; replaces glutamine 718 with histidine.
Molecular consequence: missense variant.
Genome position (GRCh38, 1-based): chr11:108,172,830, T>A on the plus strand (A>T on the coding strand, the complement: NPAT is on the minus strand). VCF-style: chr11-108172830-T-A. GRCh37 (hg19) VCF-style: chr11-108043557-T-A.
Other names: c.2154A>T, p.Gln718His (NM_001321307.1); short protein forms Q718H.
Identifiers: ClinVar variation 3300601 (VCV003300601.1).